The following is an entry in ClinVar:

NM_001130823.3(DNMT1):c.2693C>T (p.Thr898Ile)

Gene: DNMT1 (DNA methyltransferase 1; minus strand). Cytogenetic location: 19p13.2.
Variant type: single nucleotide variant.
Coding change: c.2693C>T on transcript NM_001130823.3 (MANE Select); coding-DNA position 2693, C replaced by T.
Protein change: p.Thr898Ile; replaces threonine 898 with isoleucine.
Molecular consequence: missense variant.
Genome position (GRCh38, 1-based): chr19:10,148,911, G>A on the plus strand (C>T on the coding strand, the complement: DNMT1 is on the minus strand). VCF-style: chr19-10148911-G-A. GRCh37 (hg19) VCF-style: chr19-10259587-G-A.
Other names: c.2693C>T (LRG_362t1, NM_001130823.2); c.2645C>T, p.Thr882Ile (NM_001318730.2, NM_001379.4); c.2330C>T, p.Thr777Ile (NM_001318731.2); short protein forms T898I, T882I, T777I.
Identifiers: ClinVar variation 246281 (VCV000246281.51), dbSNP rs201213597, ClinGen allele CA9187973.

ClinVar aggregate classification (germline): Benign/Likely benign. Review status: criteria provided, multiple submitters, no conflicts (2 of 4 stars). 8 submissions from 8 submitters: Benign (3); Likely benign (5). Last evaluated 2026-01-19.

Conditions:
DNMT1-related disorder. Also called: DNMT1-related condition. Identifiers: MedGen CN381527.
Inborn genetic diseases. Identifiers: MedGen C0950123, MeSH D030342.
Hereditary sensory neuropathy-deafness-dementia syndrome. Also called: NEUROPATHY, HEREDITARY SENSORY, WITH HEARING LOSS AND DEMENTIA; HSN IE; Hereditary sensory neuropathy type IE; Hereditary Sensory and Autonomic Neuropathy Type 1E (HSAN1E). Identifiers: Orphanet 456318, MedGen C3279885, MONDO:0013584, OMIM 614116.

Allele frequency attached by ClinVar (database versions not stated): ESP Exome Variant Server 0.00008; TOPMed 0.00022; gnomAD 0.00023 and 0.00025; ExAC 0.00049; gnomAD exomes 0.00049 and 0.00060.
gnomAD v4.1: 904 of 1,614,086 alleles (0.056%); highest among the groups gnomAD compares: South Asian, 0.23%; 6 homozygotes.

Submissions (8):

Labcorp Genetics (formerly Invitae), Labcorp
Classification: Likely benign for Hereditary sensory neuropathy-deafness-dementia syndrome. Last evaluated: 2026-01-19. Review status: criteria provided, single submitter. Criteria: Invitae Variant Classification Sherloc (09022015). Collection method: clinical testing. Allele origin: germline.

PreventionGenetics, part of Exact Sciences
Classification: Likely benign for DNMT1-related condition. Last evaluated: 2025-05-21. Review status: criteria provided, single submitter. Criteria: ACMG Guidelines, 2015. Collection method: clinical testing. Allele origin: germline.
Comment: This variant is classified as likely benign based on ACMG/AMP sequence variant interpretation guidelines (Richards et al. 2015 PMID: 25741868, with internal and published modifications).

Blueprint Genetics
Classification: Likely benign. Last evaluated: 2024-10-07. Review status: criteria provided, single submitter. Criteria: ACMG Guidelines, 2015. Collection method: clinical testing. Allele origin: germline.

Ambry Genetics
Classification: Likely benign for Inborn genetic diseases. Last evaluated: 2022-12-19. Review status: criteria provided, single submitter. Criteria: Ambry Variant Classification Scheme 2023. Collection method: clinical testing. Allele origin: germline.

CeGaT Center for Human Genetics Tuebingen
Classification: Benign. Last evaluated: 2022-04-01. Review status: criteria provided, single submitter. Criteria: CeGaT Center For Human Genetics Tuebingen Variant Classification Criteria Version 2. Collection method: clinical testing. Allele origin: germline. Affected: yes. Observed: 1 variant allele.
Comment: DNMT1: BS1, BS2

GeneDx
Classification: Benign. Last evaluated: 2021-06-09. Review status: criteria provided, single submitter. Criteria: GeneDx Variant Classification Process June 2021. Collection method: clinical testing. Allele origin: germline. Affected: yes.
Comment: Has not been previously published as pathogenic or benign to our knowledge

ARUP Laboratories, Molecular Genetics and Genomics, ARUP Laboratories
Classification: Likely benign. Last evaluated: 2018-05-07. Review status: criteria provided, single submitter. Criteria: ARUP Molecular Germline Variant Investigation Process. Collection method: clinical testing. Allele origin: germline.
Comment: The c.2693C>T p.Thr898Ile variant (rs201213597), to our knowledge, is not reported in the medical literature, gene specific variation databases, nor has it been previously identified by our laboratory. This variant is listed in the genome Aggregation Database (gnomAD) with a South Asian population frequency of 0.2% (identified on 67 out of 30,782 chromosomes). The threonine at position 898 is moderately conserved, considering 12 species, and computational analyses of the effects of the p.Thr898Ile variant on protein structure and function do not predict a deleterious effect (SIFT: tolerated, PolyPhen-2: benign). Based on the available information, the p.Thr898Ile variant is likely to be benign.

Illumina Laboratory Services, Illumina
Classification: Benign for Hereditary sensory neuropathy-deafness-dementia syndrome. Last evaluated: 2018-01-12. Review status: criteria provided, single submitter. Criteria: ICSL Variant Classification Criteria 13 December 2019. Collection method: clinical testing. Allele origin: germline.
Comment: This variant was observed in the ICSL laboratory as part of a predisposition screen in an ostensibly healthy population. It had not been previously curated by ICSL or reported in the Human Gene Mutation Database (HGMD: prior to June 1st, 2018), and was therefore a candidate for classification through an automated scoring system. Utilizing variant allele frequency, disease prevalence and penetrance estimates, and inheritance mode, an automated score was calculated to assess if this variant is too frequent to cause the disease. Based on the score and internal cut-off values, a variant classified as benign is not then subjected to further curation. The score for this variant resulted in a classification of benign for this disease.